The following is an entry in ClinVar:

NM_000051.4(ATM):c.6127_6136delinsT (p.Gly2043_Ala2045del)

Genes: ATM (ATM serine/threonine kinase; plus strand), C11orf65 (chromosome 11 open reading frame 65; minus strand). Cytogenetic location: 11q22.3.
Variant type: Indel.
Coding change: c.6127_6136delinsT on transcript NM_000051.4 (MANE Select); coding-DNA positions 6127 to 6136, GGCAAAGCCC replaced by T.
Protein change: p.Gly2043_Ala2045del.
Molecular consequence: inframe deletion. On other transcripts: intron variant (2).
Genome position (GRCh38, 1-based): chr11:108,316,042-108,316,051, GGCAAAGCCC replaced by T. VCF-style: chr11-108316042-GGCAAAGCCC-T. GRCh37 (hg19) VCF-style: chr11-108186769-GGCAAAGCCC-T.
Other names: c.6127_6136delinsT, p.Gly2043_Ala2045del (NM_001351834.2); c.641-6980_641-6971delinsA (NM_001330368.2); c.*39-6980_*39-6971delinsA (NM_001351110.2).
Identifiers: ClinVar variation 407581 (VCV000407581.46), dbSNP rs1064792941, ClinGen allele CA16613092.
Genomic context (GRCh38, chr11:108,316,042, plus strand): 5'-AAAGCTATTTTCACAATCTTTTCTTATAGACTACGAACATATGAACACGAAGCAATGTGG[GGCAAAGCCC>T]TAGTAACATATGACCTCGAAACAGCAATCCCCTCATCAACACGCCAGGCAGGAATCATTC-3'

ClinVar aggregate classification (germline): Uncertain significance (1 of 4 stars; one submission).

Conditions:
Ataxia-telangiectasia syndrome (AT). Also called: LOUIS-BAR SYNDROME; Cerebello-oculocutaneous telangiectasia; Immunodeficiency with ataxia telangiectasia; Ataxia-telangiectasia, complementation group D; AT, COMPLEMENTATION GROUP C; Ataxia-telangiectasia, complementation group E. Identifiers: Orphanet 100, MedGen C0004135, MONDO:0008840, OMIM 208900.

Submission:

Labcorp Genetics (formerly Invitae), Labcorp
Classification: Uncertain significance for Ataxia-telangiectasia syndrome. Last evaluated: 2020-02-27. Review status: criteria provided, single submitter. Criteria: Invitae Variant Classification Sherloc (09022015). Collection method: clinical testing. Allele origin: germline.
Comment: This variant, c.6127_6136delinsT, results in the deletion of 3 amino acids of the ATM protein (p.Gly2043_Ala2045del), but otherwise preserves the integrity of the reading frame. This variant is not present in population databases (ExAC no frequency). This variant has not been reported in the literature in individuals with ATM-related conditions. ClinVar contains an entry for this variant (Variation ID: 407581 ). Experimental studies and prediction algorithms are not available for this variant, and the functional significance of the affected amino acid(s) is currently unknown. Algorithms developed to predict the effect of sequence changes on RNA splicing suggest that this variant may create or strengthen a splice site, but this prediction has not been confirmed by published transcriptional studies. In summary, the available evidence is currently insufficient to determine the role of this variant in disease. Therefore, it has been classified as a Variant of Uncertain Significance.